The following is an entry in ClinVar:

ClinVar aggregate classification (germline): Uncertain significance (1 of 4 stars; one submission).

Conditions:
ADCY3-related disorder. Also called: ADCY3-related condition.

Submission:

PreventionGenetics, part of Exact Sciences
Classification: Uncertain significance for ADCY3-related condition. Last evaluated: 2025-11-17. Review status: criteria provided, single submitter. Criteria: ACMG Guidelines, 2015. Collection method: clinical testing. Allele origin: germline.
Comment: The ADCY3 c.2563T>G variant is predicted to result in the amino acid substitution p.Tyr855Asp. To our knowledge, this variant has not been reported in the literature or in a large population database, indicating this variant is rare. At this time, the clinical significance of this variant is uncertain due to the absence of conclusive functional and genetic evidence.

NM_004036.5(ADCY3):c.2560T>G (p.Tyr854Asp)

Gene: ADCY3 (adenylate cyclase 3; minus strand). Cytogenetic location: 2p23.3.
Variant type: single nucleotide variant.
Coding change: c.2560T>G on transcript NM_004036.5 (MANE Select); coding-DNA position 2560, T replaced by G.
Protein change: p.Tyr854Asp; replaces tyrosine 854 with aspartic acid.
Molecular consequence: missense variant. On other transcripts: intron variant (1).
Genome position (GRCh38, 1-based): chr2:24,826,062, A>C on the plus strand (T>G on the coding strand, the complement: ADCY3 is on the minus strand). VCF-style: chr2-24826062-A-C. GRCh37 (hg19) VCF-style: chr2-25048931-A-C.
Other names: c.2563T>G, p.Tyr855Asp (NM_001320613.2); c.2626T>G, p.Tyr876Asp (NM_001377128.1); c.2422T>G, p.Tyr808Asp (NM_001377129.1); c.1837T>G, p.Tyr613Asp (NM_001377131.1); c.2560T>G, p.Tyr854Asp (NM_001377132.1); c.2173-1526T>G (NM_001377130.1); short protein forms Y613D, Y808D, Y854D, Y855D, Y876D.
Identifiers: ClinVar variation 3349162 (VCV003349162.2).